The following is an entry in ClinVar:

ClinVar aggregate classification (germline): Uncertain significance (0 of 4 stars; one submission).

Conditions:
NPHP4-related disorder. Also called: NPHP4-related condition; NPHP4-related disorders. Identifiers: MedGen CN239384.

gnomAD v4.1: 7 of 1,612,946 alleles (0.00043%); highest among the groups gnomAD compares: Admixed American, 0.0017%; no homozygotes.

Submission:

PreventionGenetics, part of Exact Sciences
Classification: Uncertain significance for NPHP4-related condition. Last evaluated: 2024-07-12. Review status: no assertion criteria provided. Collection method: clinical testing. Allele origin: germline.
Comment: The NPHP4 c.3535G>A variant is predicted to result in the amino acid substitution p.Val1179Ile. To our knowledge, this variant has not been reported in the literature. This variant is reported in 0.00089% of alleles in individuals of European (Non-Finnish) descent in gnomAD. At this time, the clinical significance of this variant is uncertain due to the absence of conclusive functional and genetic evidence.

NM_015102.5(NPHP4):c.3535G>A (p.Val1179Ile)

Gene: NPHP4 (nephrocystin 4; minus strand). Cytogenetic location: 1p36.31.
Variant type: single nucleotide variant.
Coding change: c.3535G>A on transcript NM_015102.5 (MANE Select); coding-DNA position 3535, G replaced by A.
Protein change: p.Val1179Ile; replaces valine 1179 with isoleucine.
Molecular consequence: missense variant. On other transcripts: non-coding transcript variant (1).
Genome position (GRCh38, 1-based): chr1:5,867,053, C>T on the plus strand (G>A on the coding strand, the complement: NPHP4 is on the minus strand). VCF-style: chr1-5867053-C-T. GRCh37 (hg19) VCF-style: chr1-5927113-C-T.
Other names: c.1996G>A, p.Val666Ile (NM_001291593.2); c.1999G>A, p.Val667Ile (NM_001291594.2); short protein forms V1179I, V666I, V667I.
Identifiers: ClinVar variation 3357372 (VCV003357372.1).